The following is an entry in ClinVar:

ClinVar aggregate classification (germline): Likely benign. Review status: criteria provided, multiple submitters, no conflicts (2 of 4 stars). 3 submissions from 3 submitters: Likely benign (3). Last evaluated 2026-02-01.

Conditions:
Dilated cardiomyopathy 1DD (CMD1DD). Identifiers: Orphanet 154, MedGen C2750995, MONDO:0013168, OMIM 613172.
Cardiovascular phenotype. Identifiers: MedGen CN230736.

Allele frequency attached by ClinVar (database versions not stated): gnomAD 0.00001; TOPMed 0.00001; 1000 Genomes Project 0.00020; 1000 Genomes Project 30x 0.00031.
gnomAD v4.1: 15 of 1,551,698 alleles (0.00097%); highest among the groups gnomAD compares: Admixed American, 0.022%; no homozygotes.

Submissions (3):

CeGaT Center for Human Genetics Tuebingen
Classification: Likely benign. Last evaluated: 2026-02-01. Review status: criteria provided, single submitter. Criteria: CeGaT Center For Human Genetics Tuebingen Variant Classification Criteria Version 2. Collection method: clinical testing. Allele origin: germline. Affected: yes. Observed: 2 variant alleles.
Comment: RBM20: BP4, BP7

Labcorp Genetics (formerly Invitae), Labcorp
Classification: Likely benign for Dilated cardiomyopathy 1DD. Last evaluated: 2025-12-22. Review status: criteria provided, single submitter. Criteria: Invitae Variant Classification Sherloc (09022015). Collection method: clinical testing. Allele origin: germline.

Ambry Genetics
Classification: Likely benign for Cardiovascular phenotype. Last evaluated: 2025-04-19. Review status: criteria provided, single submitter. Criteria: Ambry Variant Classification Scheme 2023. Collection method: clinical testing. Allele origin: germline.

NM_001134363.3(RBM20):c.2016C>T (p.Gly672=)

Gene: RBM20 (RNA binding motif protein 20; plus strand). Cytogenetic location: 10q25.2.
Variant type: single nucleotide variant.
Coding change: c.2016C>T on transcript NM_001134363.3 (MANE Select); coding-DNA position 2016, C replaced by T.
Protein change: p.Gly672=; no amino-acid change (glycine 672 retained).
Molecular consequence: synonymous variant.
Genome position (GRCh38, 1-based): chr10:110,812,413, C>T. VCF-style: chr10-110812413-C-T. GRCh37 (hg19) VCF-style: chr10-112572171-C-T.
Other names: c.2016C>T (NM_001134363.1).
Identifiers: ClinVar variation 1425583 (VCV001425583.14), dbSNP rs547089283, ClinGen allele CA213223684.